The following is an entry in ClinVar:

NM_003238.6(TGFB2):c.*1233T>A

Gene: TGFB2 (transforming growth factor beta 2; plus strand). Cytogenetic location: 1q41.
Variant type: single nucleotide variant.
Coding change: c.*1233T>A on transcript NM_003238.6 (MANE Select); 1233 bases downstream of the stop codon, T replaced by A.
Molecular consequence: 3 prime UTR variant. On other transcripts: non-coding transcript variant (2).
Genome position (GRCh38, 1-based): chr1:218,442,595, T>A. VCF-style: chr1-218442595-T-A. GRCh37 (hg19) VCF-style: chr1-218615937-T-A.
Other names: c.*1233T>A (NM_001135599.4).
Identifiers: ClinVar variation 295512 (VCV000295512.5), dbSNP rs555872587, ClinGen allele CA10609947.

ClinVar aggregate classification (germline): Likely benign (1 of 4 stars; one submission).

Conditions:
Loeys-Dietz syndrome 4 (LDS4). Also called: ANEURYSM, AORTIC AND CEREBRAL, WITH ARTERIAL TORTUOSITY AND SKELETAL MANIFESTATIONS; TGFB2-Related Loeys-Dietz Syndrome. Identifiers: MedGen C3553762, MONDO:0013897, OMIM 614816.

Allele frequency attached by ClinVar (database versions not stated): 1000 Genomes Project 0.00080; gnomAD 0.00087 and 0.00091; 1000 Genomes Project 30x 0.00094; TOPMed 0.00125.

Submission:

Illumina Laboratory Services, Illumina
Classification: Likely benign for Loeys-Dietz syndrome 4. Last evaluated: 2018-01-12. Review status: criteria provided, single submitter. Criteria: ICSL Variant Classification Criteria 13 December 2019. Collection method: clinical testing. Allele origin: germline.
Comment: This variant was observed in the ICSL laboratory as part of a predisposition screen in an ostensibly healthy population. It had not been previously curated by ICSL or reported in the Human Gene Mutation Database (HGMD: prior to June 1st, 2018), and was therefore a candidate for classification through an automated scoring system. Utilizing variant allele frequency, disease prevalence and penetrance estimates, and inheritance mode, an automated score was calculated to assess if this variant is too frequent to cause the disease. Based on the score and internal cut-off values, a variant classified as likely benign is not then subjected to further curation. The score for this variant resulted in a classification of likely benign for this disease.